The following is an entry in ClinVar:

ClinVar aggregate classification (germline): Benign. Review status: criteria provided, multiple submitters, no conflicts (2 of 4 stars). 2 submissions from 2 submitters: Benign (2). Last evaluated 2017-04-27.

Conditions:
Bartsocas-Papas syndrome 1. Also called: Bartsocas-Papas syndrome; MULTIPLE PTERYGIUM SYNDROME, ASLAN TYPE; PTERYGIUM, POPLITEAL, LETHAL TYPE. Identifiers: Orphanet 1234, MedGen C1849718, MONDO:0009901, OMIM 263650.

Allele frequency attached by ClinVar (database versions not stated): gnomAD 0.36576 and 0.37132; TOPMed 0.37227; 1000 Genomes Project 30x 0.41240; 1000 Genomes Project 0.41733; gnomAD exomes 0.52174.
gnomAD v4.1: 56,595 of 152,162 alleles (37%); highest among the groups gnomAD compares: East Asian, 61%; 11,107 homozygotes.

Submissions (2):

Illumina Laboratory Services, Illumina
Classification: Benign for Bartsocas-Papas syndrome 1. Last evaluated: 2017-04-27. Review status: criteria provided, single submitter. Criteria: ICSL Variant Classification Criteria 13 December 2019. Collection method: clinical testing. Allele origin: germline.
Comment: This variant was observed as part of a predisposition screen in an ostensibly healthy population. A literature search was performed for the gene, cDNA change, and amino acid change (where applicable). No publications were found based on this search. Allele frequency data from public databases was too high to be consistent with this variant causing disease. Therefore, this variant is classified as benign.

Breakthrough Genomics
Classification: Benign. Review status: criteria provided, single submitter. Criteria: ACMG Guidelines, 2015. Collection method: not provided. Allele origin: germline. Inheritance: Autosomal recessive inheritance. Affected: yes.

NM_020639.3(RIPK4):c.*983G>A

Gene: RIPK4 (receptor interacting serine/threonine kinase 4; minus strand). Cytogenetic location: 21q22.3.
Variant type: single nucleotide variant.
Coding change: c.*983G>A on transcript NM_020639.3 (MANE Select); 983 bases downstream of the stop codon, G replaced by A.
Molecular consequence: 3 prime UTR variant.
Genome position (GRCh38, 1-based): chr21:41,739,855, C>T on the plus strand (G>A on the coding strand, the complement: RIPK4 is on the minus strand). VCF-style: chr21-41739855-C-T. GRCh37 (hg19) VCF-style: chr21-43160015-C-T.
Identifiers: ClinVar variation 339990 (VCV000339990.6), dbSNP rs3171532, ClinGen allele CA10652970.